The following is an entry in ClinVar:

NM_032043.3(BRIP1):c.3707C>T (p.Pro1236Leu)

Gene: BRIP1 (BRCA1 interacting DNA helicase 1; minus strand). Cytogenetic location: 17q23.2.
Variant type: single nucleotide variant.
Coding change: c.3707C>T on transcript NM_032043.3 (MANE Select); coding-DNA position 3707, C replaced by T.
Protein change: p.Pro1236Leu; replaces proline 1236 with leucine.
Molecular consequence: missense variant.
Genome position (GRCh38, 1-based): chr17:61,683,339, G>A on the plus strand (C>T on the coding strand, the complement: BRIP1 is on the minus strand). VCF-style: chr17-61683339-G-A. GRCh37 (hg19) VCF-style: chr17-59760700-G-A.
Other names: short protein forms P1236L.
Identifiers: ClinVar variation 801133 (VCV000801133.8), dbSNP rs1265133595, ClinGen allele CA400477776.

ClinVar aggregate classification (germline): Uncertain significance. Review status: criteria provided, multiple submitters, no conflicts (2 of 4 stars). 4 submissions from 4 submitters: Uncertain significance (4). Last evaluated 2025-03-04.

Conditions:
Familial cancer of breast. Also called: BREAST CANCER, FAMILIAL; Hereditary breast cancer; hereditary breast carcinoma. Identifiers: Orphanet 227535, MedGen C0346153, MONDO:0016419, OMIM 114480. Disease mechanism: loss of function.
Fanconi anemia complementation group J. Also called: BRIP1-Related Fanconi Anemia. Identifiers: Orphanet 84, MedGen C1836860, MONDO:0012187, OMIM 609054.
Hereditary cancer-predisposing syndrome. Also called: Neoplastic Syndromes, Hereditary; Hereditary Cancer Syndrome; Tumor predisposition; Hereditary neoplastic syndrome. Identifiers: Orphanet 140162, MedGen C0027672, MeSH D009386, MONDO:0015356.

Allele frequency attached by ClinVar (database versions not stated): gnomAD exomes below 0.00001.
gnomAD v4.1: 1 of 1,610,982 alleles (0.000062%); highest among the groups gnomAD compares: African/African-American, 0.0013%; no homozygotes.

Submissions (4):

Center for Genomic Medicine, Rigshospitalet, Copenhagen University Hospital
Classification: Uncertain significance. Last evaluated: 2025-03-04. Review status: criteria provided, single submitter. Criteria: ACMG Guidelines, 2015. Collection method: clinical testing. Allele origin: germline.

Ambry Genetics
Classification: Uncertain significance for Hereditary cancer-predisposing syndrome. Last evaluated: 2024-03-02. Review status: criteria provided, single submitter. Criteria: Ambry Variant Classification Scheme 2023. Collection method: clinical testing. Allele origin: germline.
Comment: The p.P1236L variant (also known as c.3707C>T), located in coding exon 19 of the BRIP1 gene, results from a C to T substitution at nucleotide position 3707. The proline at codon 1236 is replaced by leucine, an amino acid with similar properties. This amino acid position is conserved. In addition, this alteration is predicted to be tolerated by in silico analysis. Based on the available evidence, the clinical significance of this alteration remains unclear.

Labcorp Genetics (formerly Invitae), Labcorp
Classification: Uncertain significance for Familial cancer of breast; Fanconi anemia complementation group J. Last evaluated: 2023-12-18. Review status: criteria provided, single submitter. Criteria: Invitae Variant Classification Sherloc (09022015). Collection method: clinical testing. Allele origin: germline.
Comment: This sequence change replaces proline, which is neutral and non-polar, with leucine, which is neutral and non-polar, at codon 1236 of the BRIP1 protein (p.Pro1236Leu). This variant is present in population databases (no rsID available, gnomAD 0.007%). This variant has not been reported in the literature in individuals affected with BRIP1-related conditions. ClinVar contains an entry for this variant (Variation ID: 801133). Algorithms developed to predict the effect of missense changes on protein structure and function output the following: SIFT: "Not Available"; PolyPhen-2: "Benign"; Align-GVGD: "Not Available". The leucine amino acid residue is found in multiple mammalian species, which suggests that this missense change does not adversely affect protein function. In summary, the available evidence is currently insufficient to determine the role of this variant in disease. Therefore, it has been classified as a Variant of Uncertain Significance.

Quest Diagnostics Nichols Institute San Juan Capistrano
Classification: Uncertain significance. Last evaluated: 2018-09-11. Review status: criteria provided, single submitter. Criteria: Quest Diagnostics criteria. Collection method: clinical testing. Allele origin: germline.